The following is an entry in ClinVar:

NM_016492.5(RANGRF):c.160C>T (p.Leu54=)

Genes: RANGRF (RAN guanine nucleotide release factor; plus strand), SLC25A35 (solute carrier family 25 member 35; minus strand), LOC130060241 (ATAC-STARR-seq lymphoblastoid active region 11693; plus strand). Cytogenetic location: 17p13.1.
Variant type: single nucleotide variant.
Coding change: c.160C>T on transcript NM_016492.5 (MANE Select); coding-DNA position 160, C replaced by T.
Protein change: p.Leu54=; no amino-acid change (leucine 54 retained).
Molecular consequence: synonymous variant. On other transcripts: non-coding transcript variant (2), intron variant (1), 3 prime UTR variant (2).
Genome position (GRCh38, 1-based): chr17:8,289,038, C>T. VCF-style: chr17-8289038-C-T. GRCh37 (hg19) VCF-style: chr17-8192356-C-T.
Other names: c.*42+536G>A (NM_001320871.2); c.160C>T, p.Leu54= (NM_001177801.2, NM_001177802.2, NM_001330127.2); c.*445G>A (NM_001320872.2); c.*578G>A (NM_201520.3).
Identifiers: ClinVar variation 476622 (VCV000476622.12), dbSNP rs569872275, ClinGen allele CA8374330.
Genomic context (GRCh38, chr17:8,289,038, plus strand): 5'-AATCAAGAAGTTTTCTGCCATCCCGTGACGGACCAGAGCCTGATAGTGGAACTTCTCGAG[C>T]TGCAGGCCCACGTACGGGGCGAAGCGGCTGCGCGGTGAGGGAATGGCCCCCGGCTGGCCA-3'
Protein context (NP_057576.2, residues 44-64): DQSLIVELLE[Leu54=]QAHVRGEAAA

ClinVar aggregate classification (germline): Conflicting classifications of pathogenicity. Review status: criteria provided, conflicting classifications (1 of 4 stars). 2 submissions from 2 submitters: Uncertain significance (1); Likely benign (1). Last evaluated 2025-11-21.

Conditions:
Cardiac arrhythmia. Also called: Arrhythmia; Cardiac rhythm disease. Identifiers: MedGen C0003811, MONDO:0007263, HP:0011675.

Allele frequency attached by ClinVar (database versions not stated): gnomAD 0.00002 and 0.00005; TOPMed 0.00002; 1000 Genomes Project 0.00040; gnomAD exomes 0.00002 and 0.00003; ExAC 0.00004; 1000 Genomes Project 30x 0.00031.
gnomAD v4.1: 32 of 1,614,000 alleles (0.002%); highest among the groups gnomAD compares: South Asian, 0.024%; no homozygotes.

Submissions (2):

Clinical Genomics Laboratory, Washington University in St. Louis
Classification: Uncertain significance. Last evaluated: 2025-11-21. Review status: criteria provided, single submitter. Criteria: ACMG Guidelines, 2015. Collection method: clinical testing. Allele origin: germline.
Comment: The RANGRF c.160C>T (p.Leu54=) variant, to our knowledge, has not been reported in the medical literature, however, has been reported in the ClinVar database (Variation ID: 476622) as a germline likely benign variant by one submitter. This variant is observed in 9/281,600 alleles in the general population (gnomAD v2.1.1). The RANGRF c.160C>T (p.Leu54=) is a synonymous variant and computational predictors suggest that the variant does not impact RANGRF function. Due to limited information, the clinical significance of this variant is uncertain.

Labcorp Genetics (formerly Invitae), Labcorp
Classification: Likely benign for Cardiac arrhythmia. Last evaluated: 2024-06-10. Review status: criteria provided, single submitter. Criteria: Invitae Variant Classification Sherloc (09022015). Collection method: clinical testing. Allele origin: germline.